The following is an entry in ClinVar:

ClinVar aggregate classification (germline): Uncertain significance (1 of 4 stars; one submission).

Submission:

GeneDx
Classification: Uncertain significance. Last evaluated: 2024-04-16. Review status: criteria provided, single submitter. Criteria: GeneDx Variant Classification Process June 2021. Collection method: clinical testing. Allele origin: germline. Affected: yes.
Comment: Not observed at significant frequency in large population cohorts (gnomAD); In silico analysis supports that this missense variant has a deleterious effect on protein structure/function; Has not been previously published as pathogenic or benign to our knowledge

NM_000701.8(ATP1A1):c.2330C>G (p.Ala777Gly)

Genes: ATP1A1 (ATPase Na+/K+ transporting subunit alpha 1; plus strand), ATP1A1-AS1 (ATP1A1 antisense RNA 1; minus strand). Cytogenetic location: 1p13.1.
Variant type: single nucleotide variant.
Coding change: c.2330C>G on transcript NM_000701.8 (MANE Select); coding-DNA position 2330, C replaced by G.
Protein change: p.Ala777Gly; replaces alanine 777 with glycine.
Molecular consequence: missense variant.
Genome position (GRCh38, 1-based): chr1:116,398,966, C>G. VCF-style: chr1-116398966-C-G. GRCh37 (hg19) VCF-style: chr1-116941588-C-G.
Other names: c.2330C>G, p.Ala777Gly (NM_001160233.2); c.2237C>G, p.Ala746Gly (NM_001160234.2); short protein forms A746G, A777G.
Identifiers: ClinVar variation 3372652 (VCV003372652.1).
Genomic context (GRCh38, chr1:116,398,966, plus strand): 5'-AGTAAAAAATCTTGGTTTTCATAGGTCGTCTGATCTTTGATAACTTGAAGAAATCCATTG[C>G]TTATACCTTAACCAGTAACATTCCCGAGATCACCCCGTTCCTGATATTTATTATTGCAAA-3'
Protein context (NP_000692.2, residues 767-787): LIFDNLKKSI[Ala777Gly]YTLTSNIPEI